The following is an entry in ClinVar:

NC_000017.10:g.(?_59878795)_(59946639_?)del

Genes: BRIP1 (BRCA1 interacting DNA helicase 1; minus strand), INTS2 (integrator complex subunit 2; minus strand). Cytogenetic location: 17q23.2.
Variant type: Deletion.
Identifiers: ClinVar variation 3242956 (VCV003242956.1).

ClinVar aggregate classification (germline): Pathogenic (1 of 4 stars; one submission).

Conditions:
Familial cancer of breast. Also called: BREAST CANCER, FAMILIAL; hereditary breast carcinoma; Hereditary breast cancer. Identifiers: Orphanet 227535, MedGen C0346153, MONDO:0016419, OMIM 114480. Disease mechanism: loss of function.
Fanconi anemia complementation group J. Also called: BRIP1-Related Fanconi Anemia. Identifiers: Orphanet 84, MedGen C1836860, MONDO:0012187, OMIM 609054.

Submission:

Labcorp Genetics (formerly Invitae), Labcorp
Classification: Pathogenic for Familial cancer of breast; Fanconi anemia complementation group J. Last evaluated: 2020-09-22. Review status: criteria provided, single submitter. Criteria: Invitae Variant Classification Sherloc (09022015). Collection method: clinical testing. Allele origin: unknown.
Comment: This variant has not been reported in the literature in individuals with BRIP1-related conditions. This variant is a gross deletion of the genomic region encompassing exon 1 through part of exon 8 (c.-6025_957del) of the BRIP1 gene, which includes the initiator codon. This is expected to result in an absent or disrupted protein product. Loss-of-function variants in BRIP1 are known to be pathogenic (PMID: 16116423, 17033622, 21964575). For these reasons, this variant has been classified as Pathogenic.

Literature cited by the submitters: PubMed 16116423; PubMed 17033622; PubMed 21964575.